The following is an entry in ClinVar:

ClinVar aggregate classification (germline): Pathogenic (1 of 4 stars; one submission).

Conditions:
X-linked severe congenital neutropenia (SCNX). Identifiers: Orphanet 86788, MedGen C1845987, MONDO:0010294, OMIM 300299.
Thrombocytopenia 1. Also called: X-linked thrombocytopenia with normal platelets; X-Linked Thrombocytopenia (XLT); THROMBOCYTOPENIA, X-LINKED, 1. Identifiers: Orphanet 268322, Orphanet 852, MedGen C1839163, MONDO:0010743, OMIM 313900.
Wiskott-Aldrich syndrome (WAS). Also called: WISKOTT-ALDRICH SYNDROME 1; ALDRICH SYNDROME; IMMUNODEFICIENCY 2; Wiskott-aldrich syndrome, somatic. Identifiers: Orphanet 906, MedGen C0043194, MONDO:0010518, OMIM 301000.

Submission:

Labcorp Genetics (formerly Invitae), Labcorp
Classification: Pathogenic for Wiskott-Aldrich syndrome; X-linked severe congenital neutropenia; Thrombocytopenia 1. Last evaluated: 2022-02-01. Review status: criteria provided, single submitter. Criteria: Invitae Variant Classification Sherloc (09022015). Collection method: clinical testing. Allele origin: germline.
Comment: This variant is not present in population databases (gnomAD no frequency). Disruption of this splice site has been observed in individuals with Wiskott-Aldrich syndrome (PMID: 19308710, 30981783). Studies have shown that disruption of this splice site results in skipping of exon 8 or deletion of a single nucleotide and introduces a premature termination codon (PMID: 19308710). The resulting mRNA is expected to undergo nonsense-mediated decay. For these reasons, this variant has been classified as Pathogenic. This sequence change affects an acceptor splice site in intron 7 of the WAS gene. RNA analysis indicates that disruption of this splice site induces altered splicing and may result in an absent or disrupted protein product.

Literature cited by the submitters: PubMed 19308710; PubMed 30981783.

NM_000377.3(WAS):c.735-2A>T

Gene: WAS (WASP actin nucleation promoting factor; plus strand). Cytogenetic location: Xp11.23.
Variant type: single nucleotide variant.
Coding change: c.735-2A>T on transcript NM_000377.3 (MANE Select); the canonical splice acceptor site of the intron before coding-DNA position 735, A replaced by T.
Molecular consequence: splice acceptor variant.
Genome position (GRCh38, 1-based): chrX:48,688,052, A>T. VCF-style: chrX-48688052-A-T. GRCh37 (hg19) VCF-style: chrX-48546441-A-T.
Identifiers: ClinVar variation 2091421 (VCV002091421.4), dbSNP rs1602178800, ClinGen allele CA412872030.
Genomic context (GRCh38, chrX:48,688,052, plus strand): 5'-CACTATGAAGGGAGGGAAGGAAGGGCAGTGAGGATTCACTGGAGTCTCTTCACCTCTCCC[A>T]GGCATGTCAGCCACGTGGGGTGGGACCCCCAGAATGGATTTGACGTGAGTAACTTCAGAG-3'